The following is an entry in ClinVar:

ClinVar aggregate classification (germline): Likely benign (1 of 4 stars; one submission).

Submission:

CeGaT Center for Human Genetics Tuebingen
Classification: Likely benign. Last evaluated: 2026-06-01. Review status: criteria provided, single submitter. Criteria: CeGaT Center For Human Genetics Tuebingen Variant Classification Criteria Version 2. Collection method: clinical testing. Allele origin: germline. Affected: yes. Observed: 1 variant allele.
Comment: POU4F1: BS2

NM_006237.4(POU4F1):c.509G>A (p.Gly170Asp)

Genes: OBI1-AS1 (OBI1 antisense RNA 1; plus strand), POU4F1 (POU class 4 homeobox 1; minus strand). Cytogenetic location: 13q31.1.
Variant type: single nucleotide variant.
Coding change: c.509G>A on transcript NM_006237.4 (MANE Select); coding-DNA position 509, G replaced by A.
Protein change: p.Gly170Asp; replaces glycine 170 with aspartic acid.
Molecular consequence: missense variant.
Genome position (GRCh38, 1-based): chr13:78,602,166, C>T on the plus strand (G>A on the coding strand, the complement: POU4F1 is on the minus strand). VCF-style: chr13-78602166-C-T. GRCh37 (hg19) VCF-style: chr13-79176301-C-T.
Other names: short protein forms G170D.
Identifiers: ClinVar variation 4874186 (VCV004874186.2).